The following is an entry in ClinVar:

ClinVar aggregate classification (germline): Uncertain significance. Review status: criteria provided, multiple submitters, no conflicts (2 of 4 stars). 2 submissions from 2 submitters: Uncertain significance (2). Last evaluated 2025-06-17.

Allele frequency attached by ClinVar (database versions not stated): ExAC 0.00001; gnomAD exomes 0.00008; TOPMed 0.00003; gnomAD 0.00007.
gnomAD v4.1: 117 of 1,614,060 alleles (0.0072%); highest among the groups gnomAD compares: Non-Finnish European, 0.0097%; no homozygotes.

Submissions (2):

Ambry Genetics
Classification: Uncertain significance. Last evaluated: 2025-06-17. Review status: criteria provided, single submitter. Criteria: Ambry Variant Classification Scheme 2023. Collection method: clinical testing. Allele origin: germline.

Labcorp Genetics (formerly Invitae), Labcorp
Classification: Uncertain significance. Last evaluated: 2024-08-15. Review status: criteria provided, single submitter. Criteria: Invitae Variant Classification Sherloc (09022015). Collection method: clinical testing. Allele origin: germline.
Comment: This sequence change replaces leucine, which is neutral and non-polar, with valine, which is neutral and non-polar, at codon 311 of the MTMR14 protein (p.Leu311Val). This variant is present in population databases (rs746827046, gnomAD 0.003%). This variant has not been reported in the literature in individuals affected with MTMR14-related conditions. ClinVar contains an entry for this variant (Variation ID: 2042051). Invitae Evidence Modeling of protein sequence and biophysical properties (such as structural, functional, and spatial information, amino acid conservation, physicochemical variation, residue mobility, and thermodynamic stability) indicates that this missense variant is not expected to disrupt MTMR14 protein function with a negative predictive value of 80%. In summary, the available evidence is currently insufficient to determine the role of this variant in disease. Therefore, it has been classified as a Variant of Uncertain Significance.

NM_001077525.3(MTMR14):c.931C>G (p.Leu311Val)

Gene: MTMR14 (myotubularin related protein 14; plus strand). Cytogenetic location: 3p25.3.
Variant type: single nucleotide variant.
Coding change: c.931C>G on transcript NM_001077525.3 (MANE Select); coding-DNA position 931, C replaced by G.
Protein change: p.Leu311Val; replaces leucine 311 with valine.
Molecular consequence: missense variant. On other transcripts: non-coding transcript variant (9).
Genome position (GRCh38, 1-based): chr3:9,683,211, C>G. VCF-style: chr3-9683211-C-G. GRCh37 (hg19) VCF-style: chr3-9724895-C-G.
Other names: c.289C>G, p.Leu97Val (NM_001400543.1, NM_001400545.1, NM_001400546.1 and 7 more transcripts); c.70C>G, p.Leu24Val (NM_001400544.1, NM_001400547.1, NM_001400548.1 and 1 more transcripts); c.214C>G, p.Leu72Val (NM_001400549.1, NM_001400538.1); c.931C>G, p.Leu311Val (NM_022485.5, NM_001077526.3); c.1000C>G, p.Leu334Val (NM_001400518.1, NM_001400521.1); c.928C>G, p.Leu310Val (NM_001400519.1, NM_001400522.1); c.856C>G, p.Leu286Val (NM_001400520.1, NM_001400523.1, NM_001400528.1); c.685C>G, p.Leu229Val (NM_001400524.1, NM_001400527.1, NM_001400530.1); and 6 more; short protein forms L217V, L334V, L192V, L24V, L228V, L229V, L310V, L311V.
Identifiers: ClinVar variation 2042051 (VCV002042051.5), dbSNP rs746827046, ClinGen allele CA2240514.
Genomic context (GRCh38, chr3:9,683,211, plus strand): 5'-CCATTTCTTCTCACTTTTCTCCAACAGTGTTGGGATCTGGTGCAACAAACACAAAACTAC[C>G]TGAAGCTGCTGCTTTCCTTAGTTAACAGTGATGGTGAGTCTGTCTCCTCCAGAGCCCTCG-3'
Protein context (NP_001070993.1, residues 301-321): WDLVQQTQNY[Leu311Val]KLLLSLVNSD